The following is an entry in ClinVar:

NM_024652.6(LRRK1):c.3423T>A (p.Ile1141=)

Genes: LRRK1 (leucine rich repeat kinase 1; plus strand), LRRK1-AS1 (LRRK1 antisense RNA 1; minus strand). Cytogenetic location: 15q26.3.
Variant type: single nucleotide variant.
Coding change: c.3423T>A on transcript NM_024652.6 (MANE Select); coding-DNA position 3423, T replaced by A.
Protein change: p.Ile1141=; no amino-acid change (isoleucine 1141 retained).
Molecular consequence: synonymous variant.
Genome position (GRCh38, 1-based): chr15:101,049,767, T>A. VCF-style: chr15-101049767-T-A. GRCh37 (hg19) VCF-style: chr15-101589972-T-A.
Other names: c.3423T>A (NM_024652.5).
Identifiers: ClinVar variation 1599784 (VCV001599784.11), dbSNP rs41339845, ClinGen allele CA7761512.
Genomic context (GRCh38, chr15:101,049,767, plus strand): 5'-ATCAGAAGTGAGGGACTTCTCAGCCATGGCTTTCATCACGGACCACGTCAATTCCTTGAT[T>A]GATCAGTGGTTTCCCGGTAAGAGGAGATGCTAGAAGCAAGCCCTCATTCATGCTAATATT-3'
Protein context (NP_078928.3, residues 1131-1151): AFITDHVNSL[Ile1141=]DQWFPALTAT

ClinVar aggregate classification (germline): Benign. Review status: criteria provided, multiple submitters, no conflicts (2 of 4 stars). 3 submissions from 3 submitters: Benign (2). 1 of the submissions does not count toward it. Last evaluated 2026-01-27.

Conditions:
LRRK1-related disorder. Also called: LRRK1-related condition.

Allele frequency attached by ClinVar (database versions not stated): gnomAD exomes 0.01642; ExAC 0.01742; gnomAD 0.04028 and 0.04307; 1000 Genomes Project 0.04054; 1000 Genomes Project 30x 0.04279; ESP Exome Variant Server 0.04410; TOPMed 0.04534.
gnomAD v4.1: 22,709 of 1,613,440 alleles (1.4%); highest among the groups gnomAD compares: African/African-American, 12%; 624 homozygotes.

Submissions (3):

Labcorp Genetics (formerly Invitae), Labcorp
Classification: Benign. Last evaluated: 2026-01-27. Review status: criteria provided, single submitter. Criteria: Invitae Variant Classification Sherloc (09022015). Collection method: clinical testing. Allele origin: germline.

Breakthrough Genomics
Classification: Benign. Review status: criteria provided, single submitter. Criteria: ACMG Guidelines, 2015. Collection method: not provided. Allele origin: germline. Inheritance: Autosomal recessive inheritance. Affected: yes.

PreventionGenetics, part of Exact Sciences
Classification: Benign for LRRK1-related condition. Last evaluated: 2019-05-01. Review status: no assertion criteria provided. Collection method: clinical testing. Allele origin: germline. Not counted in ClinVar's aggregate classification.
Comment: This variant is classified as benign based on ACMG/AMP sequence variant interpretation guidelines (Richards et al. 2015 PMID: 25741868, with internal and published modifications).